The following is an entry in ClinVar:

NM_000368.5(TSC1):c.358C>T (p.Leu120Phe)

Gene: TSC1 (TSC complex subunit 1; minus strand). Cytogenetic location: 9q34.13.
Variant type: single nucleotide variant.
Coding change: c.358C>T on transcript NM_000368.5 (MANE Select); coding-DNA position 358, C replaced by T.
Protein change: p.Leu120Phe; replaces leucine 120 with phenylalanine.
Molecular consequence: missense variant. On other transcripts: 5 prime UTR variant (18), non-coding transcript variant (5), intron variant (5).
Genome position (GRCh38, 1-based): chr9:132,925,592, G>A on the plus strand (C>T on the coding strand, the complement: TSC1 is on the minus strand). VCF-style: chr9-132925592-G-A. GRCh37 (hg19) VCF-style: chr9-135800979-G-A.
Other names: c.358C>T, p.Leu120Phe (NM_001162426.2, NM_001406592.1, NM_001406593.1 and 16 more transcripts); c.-6C>T (NM_001362177.2, NM_001406617.1, NM_001406618.1 and 5 more transcripts); c.-98C>T (NM_001406614.1, NM_001406616.1, NM_001406624.1); c.-131C>T (NM_001406615.1, NM_001406623.1); c.-520C>T (NM_001406626.1, NM_001406627.1, NM_001406628.1); c.-662C>T (NM_001406629.1); c.-736C>T (NM_001406630.1); c.210+1609C>T (NM_001406613.1, NM_001406612.1, NM_001406610.1 and 2 more transcripts); short protein forms L120F.
Identifiers: ClinVar variation 2725748 (VCV002725748.3), dbSNP rs1554820263, ClinGen allele CA375374302.

ClinVar aggregate classification (germline): Uncertain significance (1 of 4 stars; one submission).

Conditions:
Tuberous sclerosis 1 (TSC1). Identifiers: Orphanet 805, MedGen C1854465, MONDO:0008612, OMIM 191100.

Submission:

Labcorp Genetics (formerly Invitae), Labcorp
Classification: Uncertain significance for Tuberous sclerosis 1. Last evaluated: 2024-12-22. Review status: criteria provided, single submitter. Criteria: Invitae Variant Classification Sherloc (09022015). Collection method: clinical testing. Allele origin: germline.
Comment: This sequence change replaces leucine, which is neutral and non-polar, with phenylalanine, which is neutral and non-polar, at codon 120 of the TSC1 protein (p.Leu120Phe). This variant is not present in population databases (gnomAD no frequency). This variant has not been reported in the literature in individuals affected with TSC1-related conditions. ClinVar contains an entry for this variant (Variation ID: 2725748). Invitae Evidence Modeling of protein sequence and biophysical properties (such as structural, functional, and spatial information, amino acid conservation, physicochemical variation, residue mobility, and thermodynamic stability) indicates that this missense variant is expected to disrupt TSC1 protein function with a positive predictive value of 80%. In summary, the available evidence is currently insufficient to determine the role of this variant in disease. Therefore, it has been classified as a Variant of Uncertain Significance.